The following is an entry in ClinVar:

NM_001386795.1(DTNA):c.*2626C>T

Gene: DTNA (dystrobrevin alpha; plus strand). Cytogenetic location: 18q12.1.
Variant type: single nucleotide variant.
Coding change: c.*2626C>T on transcript NM_001386795.1 (MANE Select); 2626 bases downstream of the stop codon, C replaced by T.
Molecular consequence: 3 prime UTR variant. On other transcripts: missense variant (2).
Genome position (GRCh38, 1-based): chr18:34,890,360, C>T. VCF-style: chr18-34890360-C-T. GRCh37 (hg19) VCF-style: chr18-32470324-C-T.
Other names: c.2095C>T, p.Arg699Cys (NM_001198938.2, NM_001386753.1); c.*2626C>T (NM_001198939.2, NM_001198940.2, NM_001198942.1 and 12 more transcripts); c.*92C>T (NM_001386755.1, NM_001386756.1, NM_001386759.1 and 7 more transcripts); short protein forms R699C.
Identifiers: ClinVar variation 4978443 (VCV004978443.1).

ClinVar aggregate classification (germline): Uncertain significance (1 of 4 stars; one submission).

Conditions:
DTNA-related disorder. Also called: DTNA-related condition.

gnomAD v4.1: 56 of 1,535,954 alleles (0.0036%); highest among the groups gnomAD compares: East Asian, 0.012%; no homozygotes.

Submission:

PreventionGenetics, part of Exact Sciences
Classification: Uncertain significance for DTNA-related condition. Last evaluated: 2026-06-16. Review status: criteria provided, single submitter. Criteria: ACMG Guidelines, 2015. Collection method: clinical testing. Allele origin: germline.
Comment: The DTNA c.2095C>T variant is predicted to result in the amino acid substitution p.Arg699Cys. To our knowledge, this variant has not been reported in the literature. This variant is reported in 0.0085% of alleles in individuals of European (Non-Finnish) descent in gnomAD. At this time, the clinical significance of this variant is uncertain due to the absence of conclusive functional and genetic evidence.